The following is an entry in ClinVar:

NM_177438.3(DICER1):c.4470T>A (p.Gly1490=)

Gene: DICER1 (dicer 1, ribonuclease III; minus strand). Cytogenetic location: 14q32.13.
Variant type: single nucleotide variant.
Coding change: c.4470T>A on transcript NM_177438.3 (MANE Select); coding-DNA position 4470, T replaced by A.
Protein change: p.Gly1490=; no amino-acid change (glycine 1490 retained).
Molecular consequence: synonymous variant.
Genome position (GRCh38, 1-based): chr14:95,096,450, A>T on the plus strand (T>A on the coding strand, the complement: DICER1 is on the minus strand). VCF-style: chr14-95096450-A-T. GRCh37 (hg19) VCF-style: chr14-95562787-A-T.
Other names: c.4470T>A, p.Gly1490= (NM_001195573.1, NM_001271282.3, NM_001291628.2 and 1 more transcripts).
Identifiers: ClinVar variation 417088 (VCV000417088.18), dbSNP rs1060504975, ClinGen allele CA16614624.

ClinVar aggregate classification (germline): Benign/Likely benign. Review status: criteria provided, multiple submitters, no conflicts (2 of 4 stars). 3 submissions from 3 submitters: Benign (1); Likely benign (2). Last evaluated 2026-04-20.

Conditions:
DICER1-related tumor predisposition. Also called: DICER1-related pleuropulmonary blastoma cancer predisposition syndrome; DICER1 syndrome. Identifiers: Orphanet 284343, MedGen C3839822, MONDO:0100216.
Hereditary cancer-predisposing syndrome. Also called: Hereditary Cancer Syndrome; Neoplastic Syndromes, Hereditary; Hereditary neoplastic syndrome; Tumor predisposition. Identifiers: Orphanet 140162, MedGen C0027672, MeSH D009386, MONDO:0015356.

Allele frequency attached by ClinVar (database versions not stated): gnomAD exomes below 0.00001 and 0.00001; TOPMed below 0.00001.
gnomAD v4.1: 2 of 1,614,186 alleles (0.00012%); highest among the groups gnomAD compares: Middle Eastern, 0.016%; no homozygotes.

Submissions (3):

Myriad Genetics, Inc.
Classification: Benign for DICER1-related tumor predisposition. Last evaluated: 2026-04-20. Review status: criteria provided, single submitter. Criteria: Myriad Autosomal Dominant, Autosomal Recessive and X-Linked Classification Criteria (2023). Collection method: clinical testing. Allele origin: unknown.
Comment: This variant is considered benign. This variant is a silent/synonymous amino acid change and it is not expected to impact splicing.

Labcorp Genetics (formerly Invitae), Labcorp
Classification: Likely benign for DICER1-related tumor predisposition. Last evaluated: 2025-11-11. Review status: criteria provided, single submitter. Criteria: Invitae Variant Classification Sherloc (09022015). Collection method: clinical testing. Allele origin: germline.

Ambry Genetics
Classification: Likely benign for Hereditary cancer-predisposing syndrome. Last evaluated: 2019-02-07. Review status: criteria provided, single submitter. Criteria: Ambry Variant Classification Scheme 2023. Collection method: clinical testing. Allele origin: germline.